The following is an entry in ClinVar:

ClinVar aggregate classification (germline): Conflicting classifications of pathogenicity. Review status: criteria provided, conflicting classifications (1 of 4 stars). 2 submissions from 2 submitters: Uncertain significance (1); Likely benign (1). Last evaluated 2024-08-27.

Conditions:
Inborn genetic diseases. Identifiers: MedGen C0950123, MeSH D030342.
Hepatic veno-occlusive disease-immunodeficiency syndrome. Also called: Hepatic Veno-Occlusive Disease with Immunodeficiency. Identifiers: Orphanet 79124, MedGen C1856128, MONDO:0009338, OMIM 235550. Disease mechanism: loss of function.

Allele frequency attached by ClinVar (database versions not stated): gnomAD 0.00001 and 0.00002; gnomAD exomes 0.00001 and 0.00002; TOPMed 0.00001; ExAC 0.00003; 1000 Genomes Project 30x 0.00016; 1000 Genomes Project 0.00020.
gnomAD v4.1: 18 of 1,613,162 alleles (0.0011%); highest among the groups gnomAD compares: South Asian, 0.012%; no homozygotes.

Submissions (2):

Ambry Genetics
Classification: Likely benign for Inborn genetic diseases. Last evaluated: 2024-08-27. Review status: criteria provided, single submitter. Criteria: Ambry Variant Classification Scheme 2023. Collection method: clinical testing. Allele origin: germline.

Labcorp Genetics (formerly Invitae), Labcorp
Classification: Uncertain significance for Hepatic veno-occlusive disease-immunodeficiency syndrome. Last evaluated: 2022-08-19. Review status: criteria provided, single submitter. Criteria: Invitae Variant Classification Sherloc (09022015). Collection method: clinical testing. Allele origin: germline.
Comment: This sequence change replaces serine, which is neutral and polar, with leucine, which is neutral and non-polar, at codon 534 of the SP110 protein (p.Ser534Leu). This variant is present in population databases (rs547427992, gnomAD 0.006%). This variant has not been reported in the literature in individuals affected with SP110-related conditions. ClinVar contains an entry for this variant (Variation ID: 856697). Algorithms developed to predict the effect of missense changes on protein structure and function output the following: SIFT: "Tolerated"; PolyPhen-2: "Benign"; Align-GVGD: "Class C0". The leucine amino acid residue is found in multiple mammalian species, which suggests that this missense change does not adversely affect protein function. In summary, the available evidence is currently insufficient to determine the role of this variant in disease. Therefore, it has been classified as a Variant of Uncertain Significance.

NM_080424.4(SP110):c.1601C>T (p.Ser534Leu)

Gene: SP110 (SP110 nuclear body protein; minus strand). Cytogenetic location: 2q37.1.
Variant type: single nucleotide variant.
Coding change: c.1601C>T on transcript NM_080424.4 (MANE Select); coding-DNA position 1601, C replaced by T.
Protein change: p.Ser534Leu; replaces serine 534 with leucine.
Molecular consequence: missense variant.
Genome position (GRCh38, 1-based): chr2:230,172,949, G>A on the plus strand (C>T on the coding strand, the complement: SP110 is on the minus strand). VCF-style: chr2-230172949-G-A. GRCh37 (hg19) VCF-style: chr2-231037665-G-A.
Other names: c.1619C>T, p.Ser540Leu (NM_001378442.1, NM_001378444.1, NM_001378445.1 and 1 more transcripts); c.1601C>T, p.Ser534Leu (NM_001378443.1, NM_004509.5); short protein forms S540L, S534L.
Identifiers: ClinVar variation 856697 (VCV000856697.6), dbSNP rs547427992, ClinGen allele CA2154408.